The following is an entry in ClinVar:

ClinVar aggregate classification (germline): Likely pathogenic (1 of 4 stars; one submission).

Conditions:
Cardiovascular phenotype. Identifiers: MedGen CN230736.

gnomAD v4.1: 1 of 1,613,730 alleles (0.000062%); highest among the groups gnomAD compares: African/African-American, 0.0013%; no homozygotes.

Submission:

Ambry Genetics
Classification: Likely pathogenic for Cardiovascular phenotype. Last evaluated: 2023-02-27. Review status: criteria provided, single submitter. Criteria: Ambry Variant Classification Scheme 2023. Collection method: clinical testing. Allele origin: germline.
Comment: The p.Y22419* variant (also known as c.67257T>G), located in coding exon 167 of the TTN gene, results from a T to G substitution at nucleotide position 67257. This changes the amino acid from a tyrosine to a stop codon within coding exon 167. This exon is located in the A-band region of the N2-B isoform of the titin protein and is constitutively expressed in TTN transcripts (percent spliced in or PSI 100%). This variant is considered to be rare based on population cohorts in the Genome Aggregation Database (gnomAD). This alteration is expected to result in loss of function by premature protein truncation or nonsense-mediated mRNA decay. While truncating variants in TTN are present in 1-3% of the general population, truncating variants in the A-band are the most common cause of dilated cardiomyopathy (DCM) (Herman DS et al. N. Engl. J. Med., 2012 Feb;366:619-28; Roberts AM et al. Sci Transl Med, 2015 Jan;7:270ra6). TTN truncating variants encoded in constitutive exons (PSI >90%) have been found to be significantly associated with DCM regardless of their position in titin (Schafer S et al. Nat. Genet., 2017 01;49:46-53). Based on the majority of available evidence to date, this variant is likely to be pathogenic.

NM_001267550.2(TTN):c.94452T>G (p.Tyr31484Ter)

Genes: TTN (titin; minus strand), TTN-AS1 (TTN antisense RNA 1; plus strand). Cytogenetic location: 2q31.2.
Variant type: single nucleotide variant.
Coding change: c.94452T>G on transcript NM_001267550.2 (MANE Select); coding-DNA position 94452, T replaced by G.
Protein change: p.Tyr31484Ter; replaces tyrosine 31484 with a stop codon.
Molecular consequence: nonsense.
Genome position (GRCh38, 1-based): chr2:178,547,073, A>C on the plus strand (T>G on the coding strand, the complement: TTN is on the minus strand). VCF-style: chr2-178547073-A-C. GRCh37 (hg19) VCF-style: chr2-179411800-A-C.
Other names: c.89529T>G, p.Tyr29843Ter (NM_001256850.1); c.67257T>G, p.Tyr22419Ter (NM_003319.4); c.86748T>G, p.Tyr28916Ter (NM_133378.4); c.67632T>G, p.Tyr22544Ter (NM_133432.3); c.67833T>G, p.Tyr22611Ter (NM_133437.4); short protein forms Y22419*, Y31484*, Y22544*, Y29843*, Y28916*, Y22611*.
Identifiers: ClinVar variation 2451934 (VCV002451934.2), dbSNP rs763668385, ClinGen allele CA349473827.